The following is an entry in ClinVar:

NM_025233.7(COASY):c.658G>A (p.Glu220Lys)

Gene: COASY (Coenzyme A synthase; plus strand). Cytogenetic location: 17q21.2.
Variant type: single nucleotide variant.
Coding change: c.658G>A on transcript NM_025233.7 (MANE Select); coding-DNA position 658, G replaced by A.
Protein change: p.Glu220Lys; replaces glutamic acid 220 with lysine.
Molecular consequence: missense variant.
Genome position (GRCh38, 1-based): chr17:42,563,280, G>A. VCF-style: chr17-42563280-G-A. GRCh37 (hg19) VCF-style: chr17-40715298-G-A.
Other names: c.658G>A, p.Glu220Lys (NM_001042529.3); c.745G>A, p.Glu249Lys (NM_001042532.4); short protein forms E220K, E249K.
Identifiers: ClinVar variation 2093208 (VCV002093208.3), dbSNP rs767698305, ClinGen allele CA8578019.

ClinVar aggregate classification (germline): Uncertain significance (1 of 4 stars; one submission).

Conditions:
Neurodegeneration with brain iron accumulation 6 (NBIA6). Also called: COASY protein-associated neurodegeneration. Identifiers: Orphanet 397725, MedGen C4517377, MONDO:0014290, OMIM 615643.

Allele frequency attached by ClinVar (database versions not stated): gnomAD 0.00002; TOPMed 0.00002; ExAC 0.00003; gnomAD exomes 0.00008.
gnomAD v4.1: 121 of 1,606,140 alleles (0.0075%); highest among the groups gnomAD compares: Middle Eastern, 0.016%; no homozygotes.

Submission:

Labcorp Genetics (formerly Invitae), Labcorp
Classification: Uncertain significance for Neurodegeneration with brain iron accumulation 6. Last evaluated: 2024-11-04. Review status: criteria provided, single submitter. Criteria: Invitae Variant Classification Sherloc (09022015). Collection method: clinical testing. Allele origin: germline.
Comment: This sequence change replaces glutamic acid, which is acidic and polar, with lysine, which is basic and polar, at codon 220 of the COASY protein (p.Glu220Lys). This variant is present in population databases (rs767698305, gnomAD 0.01%). This variant has not been reported in the literature in individuals affected with COASY-related conditions. ClinVar contains an entry for this variant (Variation ID: 2093208). Invitae Evidence Modeling of protein sequence and biophysical properties (such as structural, functional, and spatial information, amino acid conservation, physicochemical variation, residue mobility, and thermodynamic stability) indicates that this missense variant is not expected to disrupt COASY protein function with a negative predictive value of 80%. In summary, the available evidence is currently insufficient to determine the role of this variant in disease. Therefore, it has been classified as a Variant of Uncertain Significance.